The following is an entry in ClinVar:

ClinVar aggregate classification (germline): Uncertain significance (0 of 4 stars; one submission).

Conditions:
UBN2-related disorder. Also called: UBN2-related condition.

Submission:

PreventionGenetics, part of Exact Sciences
Classification: Uncertain significance for UBN2-related condition. Last evaluated: 2024-05-18. Review status: no assertion criteria provided. Collection method: clinical testing. Allele origin: germline.
Comment: The UBN2 c.1976T>G variant is predicted to result in the amino acid substitution p.Met659Arg. This variant is also predicted to activate a cryptic splice acceptor and may alter splicing (SpliceAI, Jaganathan K, et al. 2019. PubMed ID: 30661751). To our knowledge, this variant has not been reported in the literature or in a large population database, indicating this variant is rare. At this time, the clinical significance of this variant is uncertain due to the absence of conclusive functional and genetic evidence.

NM_173569.4(UBN2):c.1976T>G (p.Met659Arg)

Gene: UBN2 (ubinuclein 2; plus strand). Cytogenetic location: 7q34.
Variant type: single nucleotide variant.
Coding change: c.1976T>G on transcript NM_173569.4 (MANE Select); coding-DNA position 1976, T replaced by G.
Protein change: p.Met659Arg; replaces methionine 659 with arginine.
Molecular consequence: missense variant.
Genome position (GRCh38, 1-based): chr7:139,276,099, T>G. VCF-style: chr7-139276099-T-G. GRCh37 (hg19) VCF-style: chr7-138960845-T-G.
Other names: short protein forms M659R.
Identifiers: ClinVar variation 3345492 (VCV003345492.1).